The following is an entry in ClinVar:

ClinVar aggregate classification (germline): Uncertain significance. Review status: criteria provided, single submitter (1 of 4 stars). 3 submissions from 1 submitter: Uncertain significance (3). Last evaluated 2017-04-27.

Conditions:
Congenital multicore myopathy with external ophthalmoplegia (CMYO1B). Also called: MULTICORE MYOPATHY; Minicore myopathy with external ophthalmoplegia; Congenital myopathy 1B, autosomal recessive; Minicore myopathy; MULTIMINICORE DISEASE WITH EXTERNAL OPHTHALMOPLEGIA. Identifiers: Orphanet 598, Orphanet 98905, MedGen C1850674, MONDO:0009712, OMIM 255320, HP:0003789.
Malignant hyperthermia, susceptibility to, 1 (MHS1). Also called: Anesthesia related hyperthermia; Malignant hyperpyrexia; Fulminating hyperpyrexia; Pharmacogenic myopathy; RYR1-Related Malignant Hyperthermia Susceptibility; Malignant hyperthermia suceptibility 1. Identifiers: Orphanet 423, MedGen C2930980, MONDO:0007783, OMIM 145600.
Central core myopathy (CMYO1A). Also called: CONGENITAL MYOPATHY 1A, AUTOSOMAL DOMINANT, WITH SUSCEPTIBILITY TO MALIGNANT HYPERTHERMIA; Central core disease; Myopathy, central fibrillar. Identifiers: Orphanet 597, MedGen C5830701, MONDO:0007294, OMIM 117000.

gnomAD v4.1: 9 of 1,613,966 alleles (0.00056%); highest among the groups gnomAD compares: Non-Finnish European, 0.00076%; no homozygotes.

Submissions (3):

Illumina Laboratory Services, Illumina
Classification: Uncertain significance for Central core myopathy. Last evaluated: 2017-04-27. Review status: criteria provided, single submitter. Criteria: ICSL Variant Classification Criteria 13 December 2019. Collection method: clinical testing. Allele origin: germline.

Illumina Laboratory Services, Illumina
Classification: Uncertain significance for Malignant hyperthermia, susceptibility to, 1. Last evaluated: 2017-04-27. Review status: criteria provided, single submitter. Criteria: ICSL Variant Classification Criteria 13 December 2019. Collection method: clinical testing. Allele origin: germline.
Comment: This variant was observed as part of a predisposition screen in an ostensibly healthy population. A literature search was performed for the gene, cDNA change, and amino acid change (where applicable). Publications were found based on this search. However, the evidence from the literature, in combination with allele frequency data from public databases where available, was not sufficient to rule this variant in or out of causing disease. Therefore, this variant is classified as a variant of unknown significance.

Illumina Laboratory Services, Illumina
Classification: Uncertain significance for Congenital multicore myopathy with external ophthalmoplegia. Last evaluated: 2017-04-27. Review status: criteria provided, single submitter. Criteria: ICSL Variant Classification Criteria 13 December 2019. Collection method: clinical testing. Allele origin: germline.

Literature cited by the submitters: PubMed 24433488; PubMed 19191333; PubMed 15731587.

NM_000540.3(RYR1):c.6599C>G (p.Ala2200Gly)

Gene: RYR1 (ryanodine receptor 1; plus strand). Cytogenetic location: 19q13.2.
Variant type: single nucleotide variant.
Coding change: c.6599C>G on transcript NM_000540.3 (MANE Select); coding-DNA position 6599, C replaced by G.
Protein change: p.Ala2200Gly; replaces alanine 2200 with glycine.
Molecular consequence: missense variant.
Genome position (GRCh38, 1-based): chr19:38,496,265, C>G. VCF-style: chr19-38496265-C-G. GRCh37 (hg19) VCF-style: chr19-38986905-C-G.
Other names: c.6599C>G, p.Ala2200Gly (NM_001042723.2); short protein forms A2200G.
Identifiers: ClinVar variation 891882 (VCV000891882.4), dbSNP rs193922791, ClinGen allele CA405665795.